The following is an entry in ClinVar:

NM_000271.5(NPC1):c.2324A>C (p.Gln775Pro)

Gene: NPC1 (NPC intracellular cholesterol transporter 1; minus strand). Cytogenetic location: 18q11.2.
Variant type: single nucleotide variant.
Coding change: c.2324A>C on transcript NM_000271.5 (MANE Select); coding-DNA position 2324, A replaced by C.
Protein change: p.Gln775Pro; replaces glutamine 775 with proline.
Molecular consequence: missense variant.
Genome position (GRCh38, 1-based): chr18:23,541,355, T>G on the plus strand (A>C on the coding strand, the complement: NPC1 is on the minus strand). VCF-style: chr18-23541355-T-G. GRCh37 (hg19) VCF-style: chr18-21121319-T-G.
Other names: short protein forms Q775P.
Identifiers: ClinVar variation 21134 (VCV000021134.15), dbSNP rs80358253, ClinGen allele CA341662.
Genomic context (GRCh38, chr18:23,541,355, plus strand): 5'-CACCAACTTACCTCTTGACGTTTAATGTCTAACCCCAAGAGACTCACGAAACAGGTAATC[T>G]GCAGAAGAAAGTCAATGAAGACTGCCAATCCCGCAAAGAGAGAGAAGGTGTGCACGGCTG-3'
Protein context (NP_000262.2, residues 765-785): GLAVFIDFLL[Gln775Pro]ITCFVSLLGL

ClinVar aggregate classification (germline): Pathogenic. Review status: criteria provided, multiple submitters, no conflicts (2 of 4 stars). 5 submissions from 5 submitters: Pathogenic (3). 2 of the submissions do not count toward it. Last evaluated 2025-08-29.

Conditions:
NPC1-related disorder. Also called: NPC1-related condition.
Niemann-Pick disease, type C (NPC). Identifiers: Orphanet 646, MedGen C0220756, MONDO:0018982.
Niemann-Pick disease, type C1. Also called: NIEMANN-PICK DISEASE, VARIANT TYPE C1; NEUROVISCERAL STORAGE DISEASE WITH VERTICAL SUPRANUCLEAR OPHTHALMOPLEGIA; NIEMANN-PICK DISEASE WITH CHOLESTEROL ESTERIFICATION BLOCK; NIEMANN-PICK DISEASE WITHOUT SPHINGOMYELINASE DEFICIENCY; NIEMANN-PICK DISEASE, CHRONIC NEURONOPATHIC FORM. Identifiers: Orphanet 646, MedGen C3179455, MONDO:0009757, OMIM 257220.

Allele frequency attached by ClinVar (database versions not stated): gnomAD exomes below 0.00001 and 0.00001; ExAC 0.00001; TOPMed 0.00002; gnomAD 0.00001.
gnomAD v4.1: 6 of 1,614,134 alleles (0.00037%); highest among the groups gnomAD compares: Admixed American, 0.0017%; no homozygotes.

Submissions (5):

Natera, Inc.
Classification: Pathogenic for Niemann-Pick disease type C1. Last evaluated: 2025-08-29. Review status: criteria provided, single submitter. Criteria: Natera Variant Classification Schema (03/2026). Collection method: clinical testing. Allele origin: germline.
Comment: The c.2324A>C variant in NPC1 is a missense variant predicted to cause substitution of glutamine to proline at amino acid 775. This variant is rare in the general population with a frequency below the threshold expected for the associated phenotype(s). This variant has been observed in one or more individuals affected with the associated recessive disease, as either homozygous or compound heterozygous with a second variant (PMID: 26981555, 20718790). Given the available evidence, this variant is classified as Pathogenic.

Labcorp Genetics (formerly Invitae), Labcorp
Classification: Pathogenic for Niemann-Pick disease, type C1. Last evaluated: 2025-08-04. Review status: criteria provided, single submitter. Criteria: Invitae Variant Classification Sherloc (09022015). Collection method: clinical testing. Allele origin: germline.
Comment: This sequence change replaces glutamine, which is neutral and polar, with proline, which is neutral and non-polar, at codon 775 of the NPC1 protein (p.Gln775Pro). This variant is present in population databases (rs80358253, gnomAD 0.002%). This missense change has been observed in individual(s) with Niemann-Pick Type C (PMID: 11333381, 16098014, 20718790, 28222799). ClinVar contains an entry for this variant (Variation ID: 21134). Invitae Evidence Modeling of protein sequence and biophysical properties (such as structural, functional, and spatial information, amino acid conservation, physicochemical variation, residue mobility, and thermodynamic stability) indicates that this missense variant is expected to disrupt NPC1 protein function with a positive predictive value of 95%. Experimental studies have shown that this missense change affects NPC1 function (PMID: 30923329). For these reasons, this variant has been classified as Pathogenic.

Women's Health and Genetics/Laboratory Corporation of America, LabCorp
Classification: Pathogenic for Niemann-Pick disease, type C. Last evaluated: 2024-07-26. Review status: criteria provided, single submitter. Criteria: LabCorp Variant Classification Summary - May 2015. Collection method: clinical testing. Allele origin: germline.
Comment: Variant summary: NPC1 c.2324A>C (p.Gln775Pro) results in a non-conservative amino acid change located in the Sterol-sensing domain (IPR000731) of the encoded protein sequence. Five of five in-silico tools predict a damaging effect of the variant on protein function. The variant allele was found at a frequency of 8e-06 in 251470 control chromosomes. c.2324A>C has been reported in the literature in multiple homozygous and compound heterozygous individuals affected with Niemann-Pick Disease Type C (e.g. Millat_2001, Fernandez-Valero_2005). These data indicate that the variant is very likely to be associated with disease. The following publications have been ascertained in the context of this evaluation (PMID: 16098014, 11333381). ClinVar contains an entry for this variant (Variation ID: 21134). Based on the evidence outlined above, the variant was classified as pathogenic.

PreventionGenetics, part of Exact Sciences
Classification: Likely pathogenic for NPC1-related condition. Last evaluated: 2024-04-29. Review status: no assertion criteria provided. Collection method: clinical testing. Allele origin: germline. Not counted in ClinVar's aggregate classification.
Comment: The NPC1 c.2324A>C variant is predicted to result in the amino acid substitution p.Gln775Pro. This variant has been reported in the homozygous and compound heterozygous states in multiple individuals with Niemann-Pick disease type C (see for example, Table 3, Millat et al. 2001. PubMed ID: 11333381; Table 4, Fernandez-Valero et al. 2005. PubMed ID: 16098014; Table 2, Shammas et al. 2019. PubMed ID: 30923329). This variant is reported in 0.0018% of alleles in individuals of European (non-Finnish) descent in gnomAD. This variant is interpreted as likely pathogenic.

GeneReviews
No classification provided. Condition: Niemann-Pick disease, type C1. Review status: no classification provided. Collection method: literature only. Allele origin: unknown. Not counted in ClinVar's aggregate classification.

Literature cited by the submitters: PubMed 26981555 (cited by Natera, Inc.); PubMed 20718790 (cited by Natera, Inc. and Labcorp Genetics (formerly Invitae), Labcorp); PubMed 11333381 (cited by 3 submitters); PubMed 16098014 (cited by Labcorp Genetics (formerly Invitae), Labcorp and Women's Health and Genetics/Laboratory Corporation of America, LabCorp); PubMed 28222799 (cited by Labcorp Genetics (formerly Invitae), Labcorp); PubMed 30923329 (cited by Labcorp Genetics (formerly Invitae), Labcorp); PubMed 20301473 (cited by GeneReviews); NCBI Bookshelf NBK1296 (cited by GeneReviews).